The following is an entry in ClinVar:

ClinVar aggregate classification (germline): Pathogenic. Review status: criteria provided, multiple submitters, no conflicts (2 of 4 stars). 2 submissions from 2 submitters: Pathogenic (2). Last evaluated 2023-06-13.

Conditions:
Hereditary cancer-predisposing syndrome. Also called: Tumor predisposition; Neoplastic Syndromes, Hereditary; Hereditary Cancer Syndrome; Hereditary neoplastic syndrome. Identifiers: Orphanet 140162, MedGen C0027672, MeSH D009386, MONDO:0015356.
Hereditary diffuse gastric adenocarcinoma (HDGC). Also called: DIFFUSE GASTRIC AND LOBULAR BREAST CANCER SYNDROME. Identifiers: Orphanet 26106, MedGen C1708349, MONDO:0007648, OMIM 137215.

Submissions (2):

Myriad Genetics, Inc.
Classification: Pathogenic for Hereditary diffuse gastric adenocarcinoma. Last evaluated: 2023-06-13. Review status: criteria provided, single submitter. Criteria: Myriad Autosomal Dominant, Autosomal Recessive and X-Linked Classification Criteria (2023). Collection method: clinical testing. Allele origin: unknown.
Comment: This variant is considered pathogenic. This variant creates a frameshift predicted to result in premature protein truncation.

Color Diagnostics, LLC DBA Color Health
Classification: Pathogenic for Hereditary cancer-predisposing syndrome. Last evaluated: 2020-01-15. Review status: criteria provided, single submitter. Criteria: ACMG Guidelines, 2015. Collection method: clinical testing. Allele origin: germline.
Comment: This variant inserts 2 nucleotides in exon 9 of the CDH1 gene, creating a frameshift and premature translation stop signal. This variant is expected to result in an absent or non-functional protein product. This variant has not been identified in the general population by the Genome Aggregation Database (gnomAD). Loss of CDH1 function is a known mechanism of disease. Based on the available evidence, this variant is classified as Pathogenic.

NM_004360.5(CDH1):c.1234_1235dup (p.Ile415fs)

Gene: CDH1 (cadherin 1; plus strand). Cytogenetic location: 16q22.1.
Variant type: Duplication.
Coding change: c.1234_1235dup on transcript NM_004360.5 (MANE Select); coding-DNA positions 1234 to 1235, 2 bases duplicated (GT; older notation c.1234_1235dupGT).
Protein change: p.Ile415fs; shifts the reading frame from isoleucine 415.
Molecular consequence: frameshift variant. On other transcripts: 5 prime UTR variant (2), intron variant (1).
Genome position (GRCh38, 1-based): chr16:68,813,409-68,813,410, GT duplicated; duplicating any 2 consecutive bases within chr16:68,813,408-68,813,410 gives the same sequence; the c. name uses the placement nearest the transcript's 3' end. VCF-style (leftmost placement, unchanged base first): chr16-68813407-C-CTG. GRCh37 (hg19) VCF-style: chr16-68847310-C-CTG.
Other names: c.-382_-381dup (NM_001317185.2); c.-586_-585dup (NM_001317186.2); c.1137+1146_1137+1147dup (NM_001317184.2); short protein forms I415fs.
Identifiers: ClinVar variation 628775 (VCV000628775.6), dbSNP rs1567507825, ClinGen allele CA913188744.